The following is an entry in ClinVar:

NM_006421.5(ARFGEF1):c.4035A>T (p.Arg1345=)

Gene: ARFGEF1 (ARF guanine nucleotide exchange factor 1; minus strand). Cytogenetic location: 8q13.2.
Variant type: single nucleotide variant.
Coding change: c.4035A>T on transcript NM_006421.5 (MANE Select); coding-DNA position 4035, A replaced by T.
Protein change: p.Arg1345=; no amino-acid change (arginine 1345 retained).
Molecular consequence: synonymous variant. On other transcripts: non-coding transcript variant (1), intron variant (1).
Genome position (GRCh38, 1-based): chr8:67,226,065, T>A on the plus strand (A>T on the coding strand, the complement: ARFGEF1 is on the minus strand). VCF-style: chr8-67226065-T-A. GRCh37 (hg19) VCF-style: chr8-68138300-T-A.
Other names: c.4035A>T, p.Arg1345= (NM_001413184.1, NM_001413185.1, NM_001413186.1 and 5 more transcripts); c.3435A>T, p.Arg1145= (NM_001413188.1, NM_001413193.1, NM_001413197.1); c.4029A>T, p.Arg1343= (NM_001413190.1); c.2610A>T, p.Arg870= (NM_001413196.1); c.4018+17A>T (NM_001413195.1).
Identifiers: ClinVar variation 4822345 (VCV004822345.4).

ClinVar aggregate classification (germline): Likely benign (1 of 4 stars; one submission).

gnomAD v4.1: 8 of 1,612,914 alleles (0.0005%); highest among the groups gnomAD compares: African/African-American, 0.0093%; no homozygotes.

Submission:

CeGaT Center for Human Genetics Tuebingen
Classification: Likely benign. Last evaluated: 2026-03-01. Review status: criteria provided, single submitter. Criteria: CeGaT Center For Human Genetics Tuebingen Variant Classification Criteria Version 2. Collection method: clinical testing. Allele origin: germline. Affected: yes. Observed: 1 variant allele.
Comment: ARFGEF1: BP4, BP7